The following is an entry in ClinVar:

NM_152263.4(TPM3):c.466G>A (p.Ala156Thr)

Gene: TPM3 (tropomyosin 3; minus strand). Cytogenetic location: 1q21.3.
Variant type: single nucleotide variant.
Coding change: c.466G>A on transcript NM_152263.4 (MANE Select); coding-DNA position 466, G replaced by A.
Protein change: p.Ala156Thr; replaces alanine 156 with threonine.
Molecular consequence: missense variant. On other transcripts: non-coding transcript variant (1).
Genome position (GRCh38, 1-based): chr1:154,173,113, C>T on the plus strand (G>A on the coding strand, the complement: TPM3 is on the minus strand). VCF-style: chr1-154173113-C-T. GRCh37 (hg19) VCF-style: chr1-154145589-C-T.
Other names: c.355G>A, p.Ala119Thr (NM_001043351.2, NM_001364683.1, NM_153649.4 and 5 more transcripts); c.466G>A, p.Ala156Thr (NM_001364682.1, NM_001364679.2, NM_001364680.2 and 1 more transcripts); c.157G>A, p.Ala53Thr (NM_001278188.2); c.85G>A, p.Ala29Thr (NM_001278191.2); short protein forms A119T, A156T, A29T, A53T.
Identifiers: ClinVar variation 140498 (VCV000140498.3), dbSNP rs199474714, ClinGen allele CA232682.

ClinVar aggregate classification (germline): Uncertain significance. Review status: criteria provided, single submitter (1 of 4 stars). 2 submissions from 2 submitters: Uncertain significance (1). 1 of the submissions does not count toward it. Last evaluated 2026-01-19.

Conditions:
Congenital myopathy 4B, autosomal recessive. Also called: Nemaline myopathy 1, autosomal dominant or recessive. Identifiers: Orphanet 171433, Orphanet 171439, Orphanet 171881, MedGen C5829889, MONDO:0012239, OMIM 609284.
Congenital myopathy with fiber type disproportion. Also called: Congenital fiber-type disproportion myopathy; Congenital fiber-type disproportion. Identifiers: Orphanet 2020, MedGen C0546264, MONDO:0009711. Inheritance: all.

Submissions (2):

Labcorp Genetics (formerly Invitae), Labcorp
Classification: Uncertain significance for Congenital myopathy with fiber type disproportion; Congenital myopathy 4B, autosomal recessive. Last evaluated: 2026-01-19. Review status: criteria provided, single submitter. Criteria: Invitae Variant Classification Sherloc (09022015). Collection method: clinical testing. Allele origin: germline.
Comment: This sequence change replaces alanine, which is neutral and non-polar, with threonine, which is neutral and polar, at codon 156 of the TPM3 protein (p.Ala156Thr). This variant is not present in population databases (gnomAD no frequency). This missense change has been observed in individuals with nemaline myopathy (PMID: 20012312; internal data). ClinVar contains an entry for this variant (Variation ID: 140498). Invitae Evidence Modeling of protein sequence and biophysical properties (such as structural, functional, and spatial information, amino acid conservation, physicochemical variation, residue mobility, and thermodynamic stability) has been performed for this missense variant. However, the output from this modeling did not meet the statistical confidence thresholds required to predict the impact of this variant on TPM3 protein function. Experimental studies have shown that this missense change affects TPM3 function (PMID: 22749829). In summary, the available evidence is currently insufficient to determine the role of this variant in disease. Therefore, it has been classified as a Variant of Uncertain Significance.

TPM3 homepage - Leiden Muscular Dystrophy pages
No classification provided. Review status: no classification provided. Collection method: not provided. Allele origin: germline, somatic. Not counted in ClinVar's aggregate classification.

Literature cited by the submitters: PubMed 20012312 (cited by Labcorp Genetics (formerly Invitae), Labcorp); PubMed 22749829 (cited by Labcorp Genetics (formerly Invitae), Labcorp).